The following is an entry in ClinVar:

NM_001365276.2(TNXB):c.8406G>A (p.Met2802Ile)

Gene: TNXB (tenascin XB; minus strand). Cytogenetic location: 6p21.33.
Variant type: single nucleotide variant.
Coding change: c.8406G>A on transcript NM_001365276.2 (MANE Select); coding-DNA position 8406, G replaced by A.
Protein change: p.Met2802Ile; replaces methionine 2802 with isoleucine.
Molecular consequence: missense variant.
Genome position (GRCh38, 1-based): chr6:32,055,912, C>T on the plus strand (G>A on the coding strand, the complement: TNXB is on the minus strand). VCF-style: chr6-32055912-C-T. GRCh37 (hg19) VCF-style: chr6-32023689-C-T.
Other names: c.9147G>A, p.Met3049Ile (NM_001428335.1); c.8406G>A, p.Met2802Ile (NM_019105.8); short protein forms M3049I, M2802I.
Identifiers: ClinVar variation 4188687 (VCV004188687.1).
Genomic context (GRCh38, chr6:32,055,912, plus strand): 5'-TGTCACACCCACGGTGGACACCGGGCCCACACGCCGCCCCTCGTGGAGGCCGTACAGGTG[C>T]ATCTTGTATTTGCGCCCGGGCTCCAGGCCCCCCACGGTGACCTCGCTCTCCTCGCCCCTG-3'
Protein context (NP_001352205.1, residues 2792-2812): GGLEPGRKYK[Met2802Ile]HLYGLHEGRR

ClinVar aggregate classification (germline): Uncertain significance (1 of 4 stars; one submission).

Conditions:
Cardiovascular phenotype. Identifiers: MedGen CN230736.

gnomAD v4.1: 3 of 1,613,432 alleles (0.00019%); highest among the groups gnomAD compares: Non-Finnish European, 0.00025%; no homozygotes.

Submission:

Ambry Genetics
Classification: Uncertain significance for Cardiovascular phenotype. Last evaluated: 2025-07-09. Review status: criteria provided, single submitter. Criteria: Ambry Variant Classification Scheme 2023. Collection method: clinical testing. Allele origin: germline.
Comment: The p.M2802I variant (also known as c.8406G>A), located in coding exon 23 of the TNXB gene, results from a G to A substitution at nucleotide position 8406. The methionine at codon 2802 is replaced by isoleucine, an amino acid with highly similar properties. This amino acid position is conserved. In addition, this alteration is predicted to be tolerated by in silico analysis. Based on the available evidence, the clinical significance of this variant remains unclear.